The following is an entry in ClinVar:

ClinVar aggregate classification (germline): Uncertain significance (1 of 4 stars; one submission).

Submission:

GeneDx
Classification: Uncertain significance. Last evaluated: 2023-03-23. Review status: criteria provided, single submitter. Criteria: GeneDx Variant Classification Process June 2021. Collection method: clinical testing. Allele origin: germline. Affected: yes.
Comment: Not observed at significant frequency in large population cohorts (gnomAD); In silico analysis supports that this missense variant has a deleterious effect on protein structure/function; Has not been previously published as pathogenic or benign to our knowledge

NM_014991.6(WDFY3):c.1951T>G (p.Phe651Val)

Genes: WDFY3 (WD repeat and FYVE domain containing 3; minus strand), WDFY3-AS1 (WDFY3 antisense RNA 1; plus strand). Cytogenetic location: 4q21.23.
Variant type: single nucleotide variant.
Coding change: c.1951T>G on transcript NM_014991.6 (MANE Select); coding-DNA position 1951, T replaced by G.
Protein change: p.Phe651Val; replaces phenylalanine 651 with valine.
Molecular consequence: missense variant. On other transcripts: non-coding transcript variant (1).
Genome position (GRCh38, 1-based): chr4:84,810,281, A>C on the plus strand (T>G on the coding strand, the complement: WDFY3 is on the minus strand). VCF-style: chr4-84810281-A-C. GRCh37 (hg19) VCF-style: chr4-85731434-A-C.
Other names: short protein forms F651V.
Identifiers: ClinVar variation 3342898 (VCV003342898.1).